The following is an entry in ClinVar:

ClinVar aggregate classification (germline): Uncertain significance (1 of 4 stars; one submission).

Conditions:
Intellectual developmental disorder, autosomal dominant 73 (MRD73). Also called: TAF4-RELATED NDD; TAF4-RELATED NEURODEVELOPMENTAL DISORDER. Identifiers: MedGen C5830636, MONDO:0957536, OMIM 620450.

Submission:

Juno Genomics, Hangzhou Juno Genomics, Inc
Classification: Uncertain significance for Intellectual developmental disorder, autosomal dominant 73. Review status: criteria provided, single submitter. Criteria: ACMG Guidelines, 2015. Collection method: clinical testing. Allele origin: germline. Affected: yes.
Comment: Absent from controls (or at extremely low frequency if recessive) in Genome Aggregation Database.;Multiple lines of computational evidence support a deleterious effect on the gene or gene product.;Patient's phenotype or family history is highly specific for a disease with a single genetic etiology.

NM_003185.4(TAF4):c.1885-5T>G

Gene: TAF4 (TATA-box binding protein associated factor 4; minus strand). Cytogenetic location: 20q13.33.
Variant type: single nucleotide variant.
Coding change: c.1885-5T>G on transcript NM_003185.4 (MANE Select); 5 bases into the intron before coding-DNA position 1885, T replaced by G.
Molecular consequence: intron variant.
Genome position (GRCh38, 1-based): chr20:62,007,641, A>C on the plus strand (T>G on the coding strand, the complement: TAF4 is on the minus strand). VCF-style: chr20-62007641-A-C. GRCh37 (hg19) VCF-style: chr20-60582697-A-C.
Identifiers: ClinVar variation 5019929 (VCV005019929.1).
Genomic context (GRCh38, chr20:62,007,641, plus strand): 5'-GAATTAAGTTCTCGGTATAACCTGCTTGTGAAATCTTCTGCTTCTATTTTTCCATCCTTA[A>C]AAATAAAATCCATGTTGAAATTCTGGTGAATGAGATTCCACACACACTTCTGAATCCCGC-3'